The following is an entry in ClinVar:

ClinVar aggregate classification (germline): Uncertain significance (1 of 4 stars; one submission).

Conditions:
Retinoblastoma (RB1). Also called: RETINOBLASTOMA, SOMATIC. Identifiers: Orphanet 790, MedGen C0035335, MeSH D012175, MONDO:0008380, OMIM 180200, HP:0009919. Disease mechanism: loss of function. Inheritance: Both sporadic and heritable forms are tested..

Submission:

Labcorp Genetics (formerly Invitae), Labcorp
Classification: Uncertain significance for Retinoblastoma. Last evaluated: 2024-10-11. Review status: criteria provided, single submitter. Criteria: Invitae Variant Classification Sherloc (09022015). Collection method: clinical testing. Allele origin: germline.
Comment: This sequence change replaces serine, which is neutral and polar, with proline, which is neutral and non-polar, at codon 443 of the RB1 protein (p.Ser443Pro). This variant is not present in population databases (gnomAD no frequency). This variant has not been reported in the literature in individuals affected with RB1-related conditions. Invitae Evidence Modeling of protein sequence and biophysical properties (such as structural, functional, and spatial information, amino acid conservation, physicochemical variation, residue mobility, and thermodynamic stability) indicates that this missense variant is not expected to disrupt RB1 protein function with a negative predictive value of 80%. In summary, the available evidence is currently insufficient to determine the role of this variant in disease. Therefore, it has been classified as a Variant of Uncertain Significance.

NM_000321.3(RB1):c.1327T>C (p.Ser443Pro)

Gene: RB1 (RB transcriptional corepressor 1; plus strand). Cytogenetic location: 13q14.2.
Variant type: single nucleotide variant.
Coding change: c.1327T>C on transcript NM_000321.3 (MANE Select); coding-DNA position 1327, T replaced by C.
Protein change: p.Ser443Pro; replaces serine 443 with proline.
Molecular consequence: missense variant.
Genome position (GRCh38, 1-based): chr13:48,377,029, T>C. VCF-style: chr13-48377029-T-C. GRCh37 (hg19) VCF-style: chr13-48951165-T-C.
Other names: c.1327T>C, p.Ser443Pro (NM_001407165.1, NM_001407166.1); short protein forms S443P.
Identifiers: ClinVar variation 3714111 (VCV003714111.2).
Genomic context (GRCh38, chr13:48,377,029, plus strand): 5'-GGATACATCTTTAAAGAGAAATTTGCTAAAGCTGTGGGACAGGGTTGTGTCGAAATTGGA[T>C]CACAGGTAACTTGAATTCATTGTAATTCGTGGTACTATAGAGTAATAATATTAAAAGCAG-3'
Protein context (NP_000312.2, residues 433-453): AVGQGCVEIG[Ser443Pro]QRYKLGVRLY